The following is an entry in ClinVar:

NM_025179.4(PLXNA2):c.2880C>A (p.Asn960Lys)

Gene: PLXNA2 (plexin A2; minus strand). Cytogenetic location: 1q32.2.
Variant type: single nucleotide variant.
Coding change: c.2880C>A on transcript NM_025179.4 (MANE Select); coding-DNA position 2880, C replaced by A.
Protein change: p.Asn960Lys; replaces asparagine 960 with lysine.
Molecular consequence: missense variant.
Genome position (GRCh38, 1-based): chr1:208,052,440, G>T on the plus strand (C>A on the coding strand, the complement: PLXNA2 is on the minus strand). VCF-style: chr1-208052440-G-T. GRCh37 (hg19) VCF-style: chr1-208225785-G-T.
Other names: c.2880C>A (NM_025179.3); short protein forms N960K.
Identifiers: ClinVar variation 1444973 (VCV001444973.7), dbSNP rs1558166566, ClinGen allele CA344565456.

ClinVar aggregate classification (germline): Uncertain significance. Review status: criteria provided, multiple submitters, no conflicts (2 of 4 stars). 3 submissions from 3 submitters: Uncertain significance (3). Last evaluated 2025-12-08.

Conditions:
PLXNA2-related disorder. Also called: PLXNA2-related condition.

Allele frequency attached by ClinVar (database versions not stated): gnomAD exomes below 0.00001; TOPMed below 0.00001; gnomAD 0.00001.
gnomAD v4.1: 7 of 1,614,052 alleles (0.00043%); highest among the groups gnomAD compares: Non-Finnish European, 0.00034%; no homozygotes.

Submissions (3):

PreventionGenetics, part of Exact Sciences
Classification: Uncertain significance for PLXNA2-related condition. Last evaluated: 2025-12-08. Review status: criteria provided, single submitter. Criteria: ACMG Guidelines, 2015. Collection method: clinical testing. Allele origin: germline.
Comment: The PLXNA2 c.2880C>A variant is predicted to result in the amino acid substitution p.Asn960Lys. To our knowledge, this variant has not been reported in the literature. This variant is reported in 0.0065% of alleles in individuals of European (Non-Finnish) descent in gnomAD. At this time, the clinical significance of this variant is uncertain due to the absence of conclusive functional and genetic evidence.

Labcorp Genetics (formerly Invitae), Labcorp
Classification: Uncertain significance. Last evaluated: 2025-10-03. Review status: criteria provided, single submitter. Criteria: Invitae Variant Classification Sherloc (09022015). Collection method: clinical testing. Allele origin: germline.
Comment: This sequence change replaces asparagine, which is neutral and polar, with lysine, which is basic and polar, at codon 960 of the PLXNA2 protein (p.Asn960Lys). This variant is not present in population databases (gnomAD no frequency). This variant has not been reported in the literature in individuals affected with PLXNA2-related conditions. ClinVar contains an entry for this variant (Variation ID: 1444973). Invitae Evidence Modeling of protein sequence and biophysical properties (such as structural, functional, and spatial information, amino acid conservation, physicochemical variation, residue mobility, and thermodynamic stability) indicates that this missense variant is not expected to disrupt PLXNA2 protein function with a negative predictive value of 80%. In summary, the available evidence is currently insufficient to determine the role of this variant in disease. Therefore, it has been classified as a Variant of Uncertain Significance.

New York Genome Center
Classification: Uncertain significance. Last evaluated: 2023-08-18. Review status: criteria provided, single submitter. Criteria: NYGC Assertion Criteria 2020. Collection method: clinical testing. Allele origin: inherited. Observed: 2 heterozygotes. Clinical features observed: Global developmental delay (HP:0001263), Delayed gross motor development (HP:0002194), Delayed fine motor development (HP:0010862), Hypotonia (HP:0001252).